The following is an entry in ClinVar:

ClinVar aggregate classification (germline): Pathogenic (1 of 4 stars; one submission).

Conditions:
EBF3-related disorder. Identifiers: MedGen CN239924.

Submission:

PreventionGenetics, part of Exact Sciences
Classification: Pathogenic for EBF3-related condition. Last evaluated: 2026-08-04. Review status: criteria provided, single submitter. Criteria: ACMG Guidelines, 2015. Collection method: clinical testing. Allele origin: germline.
Comment: The EBF3 c.1013-1G>A variant is predicted to disrupt the AG splice acceptor site and interfere with normal splicing. To our knowledge, this variant has not been reported in the literature or in a large population database (gnomAD), indicating this variant is rare. Variants that disrupt the consensus splice acceptor site in EBF3 are expected to be pathogenic. This variant is interpreted as pathogenic.

NM_001375380.1(EBF3):c.1040-1G>A

Gene: EBF3 (EBF transcription factor 3; minus strand). Cytogenetic location: 10q26.3.
Variant type: single nucleotide variant.
Coding change: c.1040-1G>A on transcript NM_001375380.1 (MANE Select); the canonical splice acceptor site of the intron before coding-DNA position 1040, G replaced by A.
Molecular consequence: splice acceptor variant.
Genome position (GRCh38, 1-based): chr10:129,848,481, C>T on the plus strand (G>A on the coding strand, the complement: EBF3 is on the minus strand). VCF-style: chr10-129848481-C-T. GRCh37 (hg19) VCF-style: chr10-131646745-C-T.
Other names: c.1013-1G>A (NM_001375392.1, NM_001005463.3, NM_001375390.1); c.1040-1G>A (NM_001375391.1, NM_001375389.1, NM_001375379.1).
Identifiers: ClinVar variation 4983940 (VCV004983940.1).